The following is an entry in ClinVar:

NM_170606.3(KMT2C):c.10459A>G (p.Asn3487Asp)

Gene: KMT2C (lysine methyltransferase 2C; minus strand). Cytogenetic location: 7q36.1.
Variant type: single nucleotide variant.
Coding change: c.10459A>G on transcript NM_170606.3 (MANE Select); coding-DNA position 10459, A replaced by G.
Protein change: p.Asn3487Asp; replaces asparagine 3487 with aspartic acid.
Molecular consequence: missense variant.
Genome position (GRCh38, 1-based): chr7:152,163,118, T>C on the plus strand (A>G on the coding strand, the complement: KMT2C is on the minus strand). VCF-style: chr7-152163118-T-C. GRCh37 (hg19) VCF-style: chr7-151860203-T-C.
Other names: short protein forms N3487D.
Identifiers: ClinVar variation 2636816 (VCV002636816.2), dbSNP rs2487690285, ClinGen allele CA370103660.
Genomic context (GRCh38, chr7:152,163,118, plus strand): 5'-GCTCATTAGTCTGCATGAAAGTTTGGGTGGAGGGTGAATTAATTGATCCTTGTTGTATAT[T>C]CTGCTGCTGTAAAACCTGCCCCATTTGCTGTTGGTGTTGTGGAGACTGCTGAAGGGGTCC-3'
Protein context (NP_733751.2, residues 3477-3497): QQMGQVLQQQ[Asn3487Asp]IQQGSINSPS

ClinVar aggregate classification (germline): Uncertain significance. Review status: criteria provided, multiple submitters, no conflicts (2 of 4 stars). 2 submissions from 2 submitters: Uncertain significance (2). Last evaluated 2024-01-29.

Conditions:
KMT2C-related disorder. Also called: KMT2C-related disorders; KMT2C-related condition.

Submissions (2):

Greenwood Genetic Center Diagnostic Laboratories, Greenwood Genetic Center
Classification: Uncertain significance. Last evaluated: 2024-01-29. Review status: criteria provided, single submitter. Criteria: ACMG Guidelines, 2015. Collection method: clinical testing. Allele origin: germline. Affected: yes.
Comment: PM2

PreventionGenetics, part of Exact Sciences
Classification: Uncertain significance for KMT2C-related condition. Last evaluated: 2023-09-18. Review status: criteria provided, single submitter. Criteria: ACMG Guidelines, 2015. Collection method: clinical testing. Allele origin: germline.
Comment: The KMT2C c.10459A>G variant is predicted to result in the amino acid substitution p.Asn3487Asp. To our knowledge, this variant has not been reported in the literature or in a large population database, indicating this variant is rare. At this time, the clinical significance of this variant is uncertain due to the absence of conclusive functional and genetic evidence.